The following is an entry in ClinVar:

ClinVar aggregate classification (germline): Uncertain significance. Review status: criteria provided, multiple submitters, no conflicts (2 of 4 stars). 2 submissions from 2 submitters: Uncertain significance (2). Last evaluated 2024-04-15.

Conditions:
Inborn genetic diseases. Identifiers: MedGen C0950123, MeSH D030342.
Methylmalonic acidemia with homocystinuria, type cblJ (MAHCJ). Also called: METHYLMALONIC ACIDURIA AND HOMOCYSTINURIA, cblJ TYPE. Identifiers: Orphanet 369955, MedGen C3553915, MONDO:0013925, OMIM 614857.

Allele frequency attached by ClinVar (database versions not stated): gnomAD 0.00001; gnomAD exomes 0.00001.
gnomAD v4.1: 9 of 1,613,050 alleles (0.00056%); highest among the groups gnomAD compares: African/African-American, 0.0013%; no homozygotes.

Submissions (2):

Ambry Genetics
Classification: Uncertain significance for Inborn genetic diseases. Last evaluated: 2024-04-15. Review status: criteria provided, single submitter. Criteria: Ambry Variant Classification Scheme 2023. Collection method: clinical testing. Allele origin: germline.

Labcorp Genetics (formerly Invitae), Labcorp
Classification: Uncertain significance for Methylmalonic acidemia with homocystinuria, type cblJ. Last evaluated: 2021-06-13. Review status: criteria provided, single submitter. Criteria: Invitae Variant Classification Sherloc (09022015). Collection method: clinical testing. Allele origin: germline.
Comment: In summary, the available evidence is currently insufficient to determine the role of this variant in disease. Therefore, it has been classified as a Variant of Uncertain Significance. Algorithms developed to predict the effect of missense changes on protein structure and function are either unavailable or do not agree on the potential impact of this missense change (SIFT: "Tolerated"; PolyPhen-2: "Probably Damaging"; Align-GVGD: "Class C0"). This variant has not been reported in the literature in individuals with ABCD4-related conditions. This variant is not present in population databases (ExAC no frequency). This sequence change replaces leucine with isoleucine at codon 537 of the ABCD4 protein (p.Leu537Ile). The leucine residue is highly conserved and there is a small physicochemical difference between leucine and isoleucine.

NM_005050.4(ABCD4):c.1609C>A (p.Leu537Ile)

Gene: ABCD4 (ATP binding cassette subfamily D member 4; minus strand). Cytogenetic location: 14q24.3.
Variant type: single nucleotide variant.
Coding change: c.1609C>A on transcript NM_005050.4 (MANE Select); coding-DNA position 1609, C replaced by A.
Protein change: p.Leu537Ile; replaces leucine 537 with isoleucine.
Molecular consequence: missense variant. On other transcripts: non-coding transcript variant (10).
Genome position (GRCh38, 1-based): chr14:74,287,837, G>T on the plus strand (C>A on the coding strand, the complement: ABCD4 is on the minus strand). VCF-style: chr14-74287837-G-T. GRCh37 (hg19) VCF-style: chr14-74754540-G-T.
Other names: c.1483C>A, p.Leu495Ile (NM_001353591.2, NM_001353592.2); c.1348C>A, p.Leu450Ile (NM_001353593.2); c.1297C>A, p.Leu433Ile (NM_001353594.2); c.1195C>A, p.Leu399Ile (NM_001353595.2, NM_001353596.2); c.1144C>A, p.Leu382Ile (NM_001353597.2); c.1132C>A, p.Leu378Ile (NM_001353598.2, NM_001353599.2, NM_001353600.2 and 2 more transcripts); c.820C>A, p.Leu274Ile (NM_001353602.2, NM_001353603.2, NM_001353604.2 and 5 more transcripts); c.876C>A, p.Asp292Glu (NM_001353610.2); and 2 more; short protein forms L378I, L495I, D292E, L537I, L450I, L274I, L382I, L399I.
Identifiers: ClinVar variation 1367986 (VCV001367986.9), dbSNP rs780846855, ClinGen allele CA390378410.